The following is an entry in ClinVar:

ClinVar aggregate classification (germline): Uncertain significance (1 of 4 stars; one submission).

gnomAD v4.1: 20 of 1,614,150 alleles (0.0012%); highest among the groups gnomAD compares: Non-Finnish European, 0.0016%; no homozygotes.

Submission:

Labcorp Genetics (formerly Invitae), Labcorp
Classification: Uncertain significance. Last evaluated: 2020-08-28. Review status: criteria provided, single submitter. Criteria: Invitae Variant Classification Sherloc (09022015). Collection method: clinical testing. Allele origin: germline.
Comment: This sequence change replaces histidine with arginine at codon 404 of the CDH3 protein (p.His404Arg). The histidine residue is moderately conserved and there is a small physicochemical difference between histidine and arginine. This variant is not present in population databases (ExAC no frequency). In summary, the available evidence is currently insufficient to determine the role of this variant in disease. Therefore, it has been classified as a Variant of Uncertain Significance. Algorithms developed to predict the effect of missense changes on protein structure and function are either unavailable or do not agree on the potential impact of this missense change (SIFT: "Not Available"; PolyPhen-2: "Possibly Damaging"; Align-GVGD: "Not Available"). This variant has not been reported in the literature in individuals with CDH3-related conditions.

NM_001793.6(CDH3):c.1211A>G (p.His404Arg)

Gene: CDH3 (cadherin 3; plus strand). Cytogenetic location: 16q22.1.
Variant type: single nucleotide variant.
Coding change: c.1211A>G on transcript NM_001793.6 (MANE Select); coding-DNA position 1211, A replaced by G.
Protein change: p.His404Arg; replaces histidine 404 with arginine.
Molecular consequence: missense variant.
Genome position (GRCh38, 1-based): chr16:68,684,611, A>G. VCF-style: chr16-68684611-A-G. GRCh37 (hg19) VCF-style: chr16-68718514-A-G.
Other names: c.1211A>G, p.His404Arg (NM_001317195.3); c.1046A>G, p.His349Arg (NM_001317196.2); short protein forms H349R, H404R.
Identifiers: ClinVar variation 1054159 (VCV001054159.7), dbSNP rs2152102597, ClinGen allele CA396453785.